The following is an entry in ClinVar:

ClinVar aggregate classification (germline): Pathogenic/Likely pathogenic. Review status: criteria provided, multiple submitters, no conflicts (2 of 4 stars). 5 submissions from 5 submitters: Pathogenic (2); Likely pathogenic (1). 2 of the submissions do not count toward it. Last evaluated 2023-11-01.

Conditions:
46,XX ovarian dysgenesis-short stature syndrome (ODG4). Also called: OVARIAN DYSGENESIS 4. Identifiers: Orphanet 444048, MedGen C4015409, MONDO:0014520, OMIM 616185.
Premature ovarian failure 1 (POF1). Also called: FMR1 Primary Ovarian Insufficiency (FXPOI); HYPERGONADOTROPIC OVARIAN FAILURE, X-LINKED; PREMATURE OVARIAN FAILURE, X-LINKED; Fragile x premature ovarian failure; Primary ovarian insufficiency, fragile X-associated; FMR1-Related Primary Ovarian Insufficiency. Identifiers: Orphanet 642691, MedGen C4552079, MONDO:0010706, OMIM 311360.
Non-obstructive azoospermia. Identifiers: MedGen C4021107, HP:0011961.

Allele frequency attached by ClinVar (database versions not stated): ExAC 0.00001; gnomAD 0.00001; gnomAD exomes 0.00001; TOPMed 0.00002.
gnomAD v4.1: 21 of 1,614,014 alleles (0.0013%); highest among the groups gnomAD compares: Non-Finnish European, 0.0017%; no homozygotes.

Submissions (5):

Institute of Human Genetics, University of Leipzig Medical Center
Classification: Pathogenic for 46,XX ovarian dysgenesis-short stature syndrome. Last evaluated: 2023-11-01. Review status: criteria provided, single submitter. Criteria: ACMG Guidelines, 2015. Collection method: clinical testing. Allele origin: inherited. Inheritance: Autosomal recessive inheritance. Affected: yes.
Comment: Criteria applied: PVS1,PM3_VSTR,PS4_MOD,PM2_SUP

Institute of Reproductive Genetics, University of Münster
Classification: Likely pathogenic for Non-obstructive azoospermia. Last evaluated: 2022-03-16. Review status: criteria provided, single submitter. Criteria: ACMG Guidelines, 2015. Collection method: research. Allele origin: germline. Affected: yes. Observed: 1 variant allele.

Lupski Lab, Baylor-Hopkins CMG, Baylor College of Medicine
Classification: Pathogenic for 46,XX ovarian dysgenesis-short stature syndrome. Last evaluated: 2019-04-22. Review status: criteria provided, single submitter. Criteria: Jolly et al. (J Clin Endocrinol Metab. 2019). Collection method: research. Allele origin: inherited, unknown. Inheritance: Autosomal recessive inheritance. Affected: yes and no. Observed: 3 variant alleles, 2 heterozygotes, 1 homozygote. Clinical features observed: Hypergonadotropic hypogonadism (HP:0000815).

OMIM
Classification: Pathogenic for OVARIAN DYSGENESIS 4. Last evaluated: 2014-12-04. Review status: no assertion criteria provided. Collection method: literature only. Allele origin: germline. Not counted in ClinVar's aggregate classification.

Rajkovic Lab, University of Pittsburgh
Classification: Pathogenic for Premature ovarian failure 1. Review status: no assertion criteria provided. Collection method: not provided. Allele origin: inherited. Not counted in ClinVar's aggregate classification.
ClinVar note: Converted during submission from pathogenic to Pathogenic.

Literature cited by the submitters: PubMed 25480036 (cited by OMIM).

NM_017696.3(MCM9):c.394C>T (p.Arg132Ter)

Gene: MCM9 (minichromosome maintenance 9 homologous recombination repair factor; minus strand). Cytogenetic location: 6q22.31.
Variant type: single nucleotide variant.
Coding change: c.394C>T on transcript NM_017696.3 (MANE Select); coding-DNA position 394, C replaced by T.
Protein change: p.Arg132Ter; replaces arginine 132 with a stop codon.
Molecular consequence: nonsense. On other transcripts: non-coding transcript variant (2).
Genome position (GRCh38, 1-based): chr6:118,924,038, G>A on the plus strand (C>T on the coding strand, the complement: MCM9 is on the minus strand). VCF-style: chr6-118924038-G-A. GRCh37 (hg19) VCF-style: chr6-119245203-G-A.
Other names: c.394C>T, p.Arg132Ter (NM_001378356.1, NM_001378357.1, NM_001378358.1 and 9 more transcripts); c.196C>T, p.Arg66Ter (NM_001378361.1, NM_001378362.1, NM_001378363.1 and 3 more transcripts); short protein forms R132*, R66*.
Identifiers: ClinVar variation 156588 (VCV000156588.7), dbSNP rs587777872, ClinGen allele CA170939.